The following is an entry in ClinVar:

NM_016616.5(NME8):c.1006C>T (p.Arg336Cys)

Gene: NME8 (NME/NM23 family member 8; plus strand). Cytogenetic location: 7p14.1.
Variant type: single nucleotide variant.
Coding change: c.1006C>T on transcript NM_016616.5 (MANE Select); coding-DNA position 1006, C replaced by T.
Protein change: p.Arg336Cys; replaces arginine 336 with cysteine.
Molecular consequence: missense variant.
Genome position (GRCh38, 1-based): chr7:37,884,314, C>T. VCF-style: chr7-37884314-C-T. GRCh37 (hg19) VCF-style: chr7-37923916-C-T.
Other names: short protein forms R336C.
Identifiers: ClinVar variation 1784872 (VCV001784872.2), dbSNP rs751830410, ClinGen allele CA4222402.
Genomic context (GRCh38, chr7:37,884,314, plus strand): 5'-ACCAGTAATCTACCAGTTTAAAACTTATTATGTAACTGTTTTTATTTAGATGATGTTTTG[C>T]GTATTATTAAAGATGAAGACTTCAAAATACTGGAGCAAAGACAAGTAGTATTATCGGAAA-3'
Protein context (NP_057700.3, residues 326-346): LFHERKDDVL[Arg336Cys]IIKDEDFKIL

ClinVar aggregate classification (germline): Uncertain significance (1 of 4 stars; one submission).

Conditions:
Primary ciliary dyskinesia. Also called: Ciliary dyskinesia. Identifiers: Orphanet 244, MedGen C0008780, MONDO:0016575, HP:0012265.

Submission:

Ambry Genetics
Classification: Uncertain significance for Primary ciliary dyskinesia. Last evaluated: 2018-04-12. Review status: criteria provided, single submitter. Criteria: Ambry Variant Classification Scheme 2023. Collection method: clinical testing. Allele origin: germline.
Comment: The p.R336C variant (also known as c.1006C>T), located in coding exon 11 of the NME8 gene, results from a C to T substitution at nucleotide position 1006. The arginine at codon 336 is replaced by cysteine, an amino acid with highly dissimilar properties. This amino acid position is poorly conserved in available vertebrate species. In addition, this alteration is predicted to be tolerated by in silico analysis. Since supporting evidence is limited at this time, the clinical significance of this alteration remains unclear.